The following is an entry in ClinVar:

ClinVar aggregate classification (germline): Uncertain significance. Review status: criteria provided, single submitter (1 of 4 stars). 2 submissions from 2 submitters: Uncertain significance (1). 1 of the submissions does not count toward it. Last evaluated 2024-07-01.

Conditions:
Intellectual developmental disorder, X-linked, syndromic 33. Also called: X-linked intellectual disability-global development delay-facial dysmorphism-sacral caudal remnant syndrome; Intellectual disability, X-linked, syndromic 33. Identifiers: Orphanet 480907, MedGen C4225418, MONDO:0010500, OMIM 300966.

Submissions (2):

CeGaT Center for Human Genetics Tuebingen
Classification: Uncertain significance. Last evaluated: 2024-07-01. Review status: criteria provided, single submitter. Criteria: CeGaT Center For Human Genetics Tuebingen Variant Classification Criteria Version 2. Collection method: clinical testing. Allele origin: germline. Affected: yes. Observed: 1 variant allele.
Comment: TAF1: PM2

Laboratory of Medical Genetics, University of Torino
Classification: Uncertain significance for Intellectual developmental disorder, X-linked, syndromic 33. Last evaluated: 2022-10-09. Review status: no assertion criteria provided. Collection method: research. Allele origin: maternal. Affected: yes. Not counted in ClinVar's aggregate classification.

NM_004606.5(TAF1):c.745G>A (p.Gly249Arg)

Gene: TAF1 (TATA-box binding protein associated factor 1; plus strand). Cytogenetic location: Xq13.1.
Variant type: single nucleotide variant.
Coding change: c.745G>A on transcript NM_004606.5 (MANE Select); coding-DNA position 745, G replaced by A.
Protein change: p.Gly249Arg; replaces glycine 249 with arginine.
Molecular consequence: missense variant. On other transcripts: non-coding transcript variant (9).
Genome position (GRCh38, 1-based): chrX:71,377,633, G>A. VCF-style: chrX-71377633-G-A. GRCh37 (hg19) VCF-style: chrX-70597483-G-A.
Other names: c.745G>A, p.Gly249Arg (NM_001286074.2); c.682G>A, p.Gly228Arg (NM_138923.4); short protein forms G228R, G249R.
Identifiers: ClinVar variation 1710151 (VCV001710151.18), dbSNP rs2520135223, ClinGen allele CA413506922.